The following is an entry in ClinVar:

NM_002336.3(LRP6):c.1244G>A (p.Arg415Gln)

Gene: LRP6 (LDL receptor related protein 6; minus strand). Cytogenetic location: 12p13.2.
Variant type: single nucleotide variant.
Coding change: c.1244G>A on transcript NM_002336.3 (MANE Select); coding-DNA position 1244, G replaced by A.
Protein change: p.Arg415Gln; replaces arginine 415 with glutamine.
Molecular consequence: missense variant.
Genome position (GRCh38, 1-based): chr12:12,181,172, C>T on the plus strand (G>A on the coding strand, the complement: LRP6 is on the minus strand). VCF-style: chr12-12181172-C-T. GRCh37 (hg19) VCF-style: chr12-12334106-C-T.
Other names: c.1244G>A, p.Arg415Gln (NM_001414244.1, NM_001414245.1, NM_001414246.1 and 5 more transcripts); c.1046G>A, p.Arg349Gln (NM_001414247.1); c.791G>A, p.Arg264Gln (NM_001414252.1, NM_001414253.1, NM_001414254.1); short protein forms R349Q, R264Q, R415Q.
Identifiers: ClinVar variation 2170520 (VCV002170520.4), dbSNP rs777840445, ClinGen allele CA232999481.

ClinVar aggregate classification (germline): Uncertain significance (1 of 4 stars; one submission).

Allele frequency attached by ClinVar (database versions not stated): gnomAD 0.00001; TOPMed 0.00001; gnomAD exomes 0.00005.
gnomAD v4.1: 74 of 1,614,000 alleles (0.0046%); highest among the groups gnomAD compares: South Asian, 0.0077%; no homozygotes.

Submission:

Labcorp Genetics (formerly Invitae), Labcorp
Classification: Uncertain significance. Last evaluated: 2022-03-31. Review status: criteria provided, single submitter. Criteria: Invitae Variant Classification Sherloc (09022015). Collection method: clinical testing. Allele origin: germline.
Comment: This sequence change replaces arginine, which is basic and polar, with glutamine, which is neutral and polar, at codon 415 of the LRP6 protein (p.Arg415Gln). This variant is present in population databases (rs777840445, gnomAD 0.01%). This variant has not been reported in the literature in individuals affected with LRP6-related conditions. Algorithms developed to predict the effect of missense changes on protein structure and function (SIFT, PolyPhen-2, Align-GVGD) all suggest that this variant is likely to be disruptive. In summary, the available evidence is currently insufficient to determine the role of this variant in disease. Therefore, it has been classified as a Variant of Uncertain Significance.